The following is an entry in ClinVar:

NM_004655.4(AXIN2):c.1786G>A (p.Glu596Lys)

Gene: AXIN2 (axin 2; minus strand). Cytogenetic location: 17q24.1.
Variant type: single nucleotide variant.
Coding change: c.1786G>A on transcript NM_004655.4 (MANE Select); coding-DNA position 1786, G replaced by A.
Protein change: p.Glu596Lys; replaces glutamic acid 596 with lysine.
Molecular consequence: missense variant. On other transcripts: intron variant (1).
Genome position (GRCh38, 1-based): chr17:65,536,990, C>T on the plus strand (G>A on the coding strand, the complement: AXIN2 is on the minus strand). VCF-style: chr17-65536990-C-T. GRCh37 (hg19) VCF-style: chr17-63533108-C-T.
Other names: c.1786G>A (NM_004655.3); c.1712+334G>A (NM_001363813.1); short protein forms E596K.
Identifiers: ClinVar variation 1697644 (VCV001697644.13), dbSNP rs2043935287, ClinGen allele CA400676625.
Genomic context (GRCh38, chr17:65,536,990, plus strand): 5'-ACCTGTCTCCTTCCTCCCGGGGAAGCTGCAGGGCCCCAGCTCCGCCGGGGGCCCCTCCTT[C>T]CCTGGCGGGCAGGGCCAGGCCCGGCTCCGTGCCTTTCCCATTGCGTTTGGGCAAGGTACT-3'
Protein context (NP_004646.3, residues 586-606): TEPGLALPAR[Glu596Lys]GGAPGGAGAL

ClinVar aggregate classification (germline): Uncertain significance. Review status: criteria provided, multiple submitters, no conflicts (2 of 4 stars). 4 submissions from 4 submitters: Uncertain significance (4). Last evaluated 2025-07-18.

Conditions:
Colorectal cancer. Also called: Malignant Colorectal Neoplasm; Colorectal cancer, somatic. Identifiers: MedGen C0346629, MONDO:0005575, OMIM 114500.
Oligodontia-cancer predisposition syndrome. Also called: TOOTH AGENESIS-COLORECTAL CANCER SYNDROME. Identifiers: Orphanet 300576, MedGen C1837750, MONDO:0012075, OMIM 608615. Disease mechanism: loss of function.
Hereditary cancer-predisposing syndrome. Also called: Hereditary neoplastic syndrome; Tumor predisposition; Neoplastic Syndromes, Hereditary; Hereditary Cancer Syndrome. Identifiers: Orphanet 140162, MedGen C0027672, MeSH D009386, MONDO:0015356.

Submissions (4):

Ambry Genetics
Classification: Uncertain significance for Hereditary cancer-predisposing syndrome. Last evaluated: 2025-07-18. Review status: criteria provided, single submitter. Criteria: Ambry Variant Classification Scheme 2023. Collection method: clinical testing. Allele origin: germline.
Comment: The p.E596K variant (also known as c.1786G>A), located in coding exon 6 of the AXIN2 gene, results from a G to A substitution at nucleotide position 1786. The glutamic acid at codon 596 is replaced by lysine, an amino acid with similar properties. This amino acid position is not well conserved in available vertebrate species. In addition, this alteration is predicted to be tolerated by in silico analysis. Since supporting evidence is limited at this time, the clinical significance of this alteration remains unclear.

Center for Genomic Medicine, Rigshospitalet, Copenhagen University Hospital
Classification: Uncertain significance. Last evaluated: 2025-03-04. Review status: criteria provided, single submitter. Criteria: ACMG Guidelines, 2015. Collection method: clinical testing. Allele origin: germline.

Labcorp Genetics (formerly Invitae), Labcorp
Classification: Uncertain significance for Oligodontia-cancer predisposition syndrome. Last evaluated: 2024-10-16. Review status: criteria provided, single submitter. Criteria: Invitae Variant Classification Sherloc (09022015). Collection method: clinical testing. Allele origin: germline.
Comment: This sequence change replaces glutamic acid, which is acidic and polar, with lysine, which is basic and polar, at codon 596 of the AXIN2 protein (p.Glu596Lys). This variant is not present in population databases (gnomAD no frequency). This variant has not been reported in the literature in individuals affected with AXIN2-related conditions. ClinVar contains an entry for this variant (Variation ID: 1697644). An algorithm developed to predict the effect of missense changes on protein structure and function (PolyPhen-2) suggests that this variant is likely to be tolerated. In summary, the available evidence is currently insufficient to determine the role of this variant in disease. Therefore, it has been classified as a Variant of Uncertain Significance.

Baylor Genetics
Classification: Uncertain significance for Colorectal cancer. Last evaluated: 2023-06-13. Review status: criteria provided, single submitter. Criteria: ACMG Guidelines, 2015. Collection method: clinical testing. Allele origin: unknown.